The following is an entry in ClinVar:

ClinVar aggregate classification (germline): Pathogenic (1 of 4 stars; one submission).

Submission:

CeGaT Center for Human Genetics Tuebingen
Classification: Pathogenic. Last evaluated: 2023-06-01. Review status: criteria provided, single submitter. Criteria: CeGaT Center For Human Genetics Tuebingen Variant Classification Criteria Version 2. Collection method: clinical testing. Allele origin: germline. Affected: yes. Observed: 1 variant allele.
Comment: GRIN2A: PVS1, PM2

NM_001134407.3(GRIN2A):c.255del (p.His85fs)

Gene: GRIN2A (glutamate ionotropic receptor NMDA type subunit 2A; minus strand). Cytogenetic location: 16p13.2.
Variant type: Deletion.
Coding change: c.255del on transcript NM_001134407.3 (MANE Select); coding-DNA position 255, one base deleted (C; older notation c.255delC).
Protein change: p.His85fs; shifts the reading frame from histidine 85.
Molecular consequence: frameshift variant.
Genome position (GRCh38, 1-based): chr16:10,180,157, G deleted on the plus strand (C on the coding strand, the reverse complement: GRIN2A is on the minus strand). VCF-style (leftmost placement, unchanged base first): chr16-10180156-CG-C. GRCh37 (hg19) VCF-style: chr16-10274013-CG-C.
Other names: c.255del, p.His85fs (NM_000833.5, NM_001134408.2); short protein forms H85fs.
Identifiers: ClinVar variation 2570931 (VCV002570931.27), dbSNP rs2544030819, ClinGen allele CA2580613424.